The following is an entry in ClinVar:

ClinVar aggregate classification (germline): Uncertain significance (1 of 4 stars; one submission).

Conditions:
Diamond-Blackfan anemia 8 (DBA8). Also called: RPS7-Related Diamond-Blackfan Anemia. Identifiers: Orphanet 124, MedGen C2675511, MONDO:0012939, OMIM 612563.

Allele frequency attached by ClinVar (database versions not stated): gnomAD 0.00001; TOPMed 0.00001.

Submission:

Labcorp Genetics (formerly Invitae), Labcorp
Classification: Uncertain significance for Diamond-Blackfan anemia 8. Last evaluated: 2022-11-02. Review status: criteria provided, single submitter. Criteria: Invitae Variant Classification Sherloc (09022015). Collection method: clinical testing. Allele origin: germline.
Comment: This variant has not been reported in the literature in individuals affected with RPS7-related conditions. This variant is not present in population databases (gnomAD no frequency). This sequence change replaces threonine, which is neutral and polar, with methionine, which is neutral and non-polar, at codon 181 of the RPS7 protein (p.Thr181Met). Algorithms developed to predict the effect of missense changes on protein structure and function are either unavailable or do not agree on the potential impact of this missense change (SIFT: "Tolerated"; PolyPhen-2: "Possibly Damaging"; Align-GVGD: "Class C0"). In summary, the available evidence is currently insufficient to determine the role of this variant in disease. Therefore, it has been classified as a Variant of Uncertain Significance.

NM_001011.4(RPS7):c.542C>T (p.Thr181Met)

Gene: RPS7 (ribosomal protein S7; plus strand). Cytogenetic location: 2p25.3.
Variant type: single nucleotide variant.
Coding change: c.542C>T on transcript NM_001011.4 (MANE Select); coding-DNA position 542, C replaced by T.
Protein change: p.Thr181Met; replaces threonine 181 with methionine.
Molecular consequence: missense variant.
Genome position (GRCh38, 1-based): chr2:3,580,839, C>T. VCF-style: chr2-3580839-C-T. GRCh37 (hg19) VCF-style: chr2-3628429-C-T.
Other names: short protein forms T181M.
Identifiers: ClinVar variation 2901899 (VCV002901899.3), dbSNP rs919734855, ClinGen allele CA16040515.